The following is an entry in ClinVar:

NM_000207.3(INS):c.*22A>C

Genes: INS (insulin; minus strand), INS-IGF2 (INS-IGF2 readthrough; minus strand). Cytogenetic location: 11p15.5.
Variant type: single nucleotide variant.
Coding change: c.*22A>C on transcript NM_000207.3 (MANE Select); 22 bases downstream of the stop codon, A replaced by C.
Molecular consequence: 3 prime UTR variant. On other transcripts: intron variant (1).
Genome position (GRCh38, 1-based): chr11:2,159,830, T>G on the plus strand (A>C on the coding strand, the complement: INS is on the minus strand). VCF-style: chr11-2159830-T-G. GRCh37 (hg19) VCF-style: chr11-2181060-T-G.
Other names: c.*22A>C (NM_001185097.2, NM_001185098.2, NM_001291897.2); c.187+955A>C (NM_001042376.3).
Identifiers: ClinVar variation 304051 (VCV000304051.10), dbSNP rs3842753, ClinGen allele CA5818118.

ClinVar aggregate classification (germline): Conflicting classifications of pathogenicity. Review status: criteria provided, conflicting classifications (1 of 4 stars). 8 submissions from 5 submitters: Uncertain significance (1); Benign (7). Last evaluated 2021-07-14.

Conditions:
Diabetes mellitus, permanent neonatal 4. Also called: INS-Related Permanent Neonatal Diabetes Mellitus. Identifiers: MedGen C5394307, MONDO:0030089, OMIM 618858.
Hyperproinsulinemia. Identifiers: MedGen C0342283, MONDO:0014535, OMIM 616214.
Diabetes mellitus type 1 (T1D). Also called: Diabetes Mellitus, Juvenile-Onset; Type I diabetes mellitus. Identifiers: MedGen C0011854, MONDO:0005147, OMIM 222100, HP:0100651.
Maturity-onset diabetes of the young type 10. Identifiers: Orphanet 552, MedGen C3150617, MONDO:0013240, OMIM 613370.
Type 1 diabetes mellitus 2. Identifiers: MedGen C1852092, MONDO:0007454, OMIM 125852.

Allele frequency attached by ClinVar (database versions not stated): ExAC 0.73780; ESP Exome Variant Server 0.54755; TOPMed 0.58747; gnomAD 0.59307 and 0.60894; 1000 Genomes Project 30x 0.63835; 1000 Genomes Project 0.64916; gnomAD exomes 0.72066 and 0.73340.
gnomAD v4.1: 1,141,562 of 1,607,734 alleles (71%); highest among the groups gnomAD compares: East Asian, 96%; 415,760 homozygotes.

Submissions (8):

Genome-Nilou Lab
Classification: Benign for Type 1 diabetes mellitus 2. Last evaluated: 2021-07-14. Review status: criteria provided, single submitter. Criteria: ACMG Guidelines, 2015. Collection method: clinical testing. Allele origin: germline. Affected: no.

Genome-Nilou Lab
Classification: Benign for Diabetes mellitus, permanent neonatal 4. Last evaluated: 2021-07-14. Review status: criteria provided, single submitter. Criteria: ACMG Guidelines, 2015. Collection method: clinical testing. Allele origin: germline. Affected: no.

Genome-Nilou Lab
Classification: Benign for Hyperproinsulinemia. Last evaluated: 2021-07-14. Review status: criteria provided, single submitter. Criteria: ACMG Guidelines, 2015. Collection method: clinical testing. Allele origin: germline. Affected: no.

Genome-Nilou Lab
Classification: Benign for Maturity-onset diabetes of the young type 10. Last evaluated: 2021-07-14. Review status: criteria provided, single submitter. Criteria: ACMG Guidelines, 2015. Collection method: clinical testing. Allele origin: germline. Affected: no.

GeneDx
Classification: Benign. Last evaluated: 2019-03-31. Review status: criteria provided, single submitter. Criteria: GeneDx Variant Classification Process June 2021. Collection method: clinical testing. Allele origin: germline. Affected: yes.

Illumina Laboratory Services, Illumina
Classification: Benign for Maturity-onset diabetes of the young type 10. Last evaluated: 2018-01-13. Review status: criteria provided, single submitter. Criteria: ICSL Variant Classification Criteria 13 December 2019. Collection method: clinical testing. Allele origin: germline.
Comment: This variant was observed in the ICSL laboratory as part of a predisposition screen in an ostensibly healthy population. It had not been previously curated by ICSL or reported in the Human Gene Mutation Database (HGMD: prior to June 1st, 2018), and was therefore a candidate for classification through an automated scoring system. Utilizing variant allele frequency, disease prevalence and penetrance estimates, and inheritance mode, an automated score was calculated to assess if this variant is too frequent to cause the disease. Based on the score and internal cut-off values, a variant classified as benign is not then subjected to further curation. The score for this variant resulted in a classification of benign for this disease.

Breakthrough Genomics
Classification: Benign. Review status: criteria provided, single submitter. Criteria: ACMG Guidelines, 2015. Collection method: not provided. Allele origin: germline. Inheritance: Autosomal dominant inheritance. Affected: yes.

Clinical Genomics, Uppaluri K&H Personalized Medicine Clinic
Classification: Uncertain significance for Diabetes mellitus type 1. Review status: criteria provided, single submitter. Criteria: K & H Uppaluri Personalized Medicine Clinic Variant Classification & Assertion Criteria_Updated V.1. Collection method: research. Allele origin: unknown. Inheritance: Autosomal recessive inheritance.
Comment: Potent mutations in this gene can cause early onset diabetes mellitus which is insulin dependent. May have poor response to sulfonylureas, as potent mutations in INS gene can cause beta cell destruction. rs3842753 variant, could be a contributing factor to the increased risk of T1D development, as it might increase insulin production. However more evidence are required to ascertain the role of this particular variant rs3842753 in Type 1 diabetes mellitus .

Literature cited by the submitters: PubMed 33953728 (cited by Clinical Genomics, Uppaluri K&H Personalized Medicine Clinic).